The following is an entry in ClinVar:

NM_139057.4(ADAMTS17):c.2477C>G (p.Ser826Trp)

Gene: ADAMTS17 (ADAM metallopeptidase with thrombospondin type 1 motif 17; minus strand). Cytogenetic location: 15q26.3.
Variant type: single nucleotide variant.
Coding change: c.2477C>G on transcript NM_139057.4 (MANE Select); coding-DNA position 2477, C replaced by G.
Protein change: p.Ser826Trp; replaces serine 826 with tryptophan.
Molecular consequence: missense variant.
Genome position (GRCh38, 1-based): chr15:100,048,971, G>C on the plus strand (C>G on the coding strand, the complement: ADAMTS17 is on the minus strand). VCF-style: chr15-100048971-G-C. GRCh37 (hg19) VCF-style: chr15-100589176-G-C.
Other names: c.2477C>G (NM_139057.2); short protein forms S826W.
Identifiers: ClinVar variation 2418197 (VCV002418197.5), dbSNP rs532333138, ClinGen allele CA393692709.

ClinVar aggregate classification (germline): Uncertain significance. Review status: criteria provided, multiple submitters, no conflicts (2 of 4 stars). 2 submissions from 2 submitters: Uncertain significance (2). Last evaluated 2024-12-10.

Conditions:
Inborn genetic diseases. Identifiers: MedGen C0950123, MeSH D030342.

Submissions (2):

Ambry Genetics
Classification: Uncertain significance for Inborn genetic diseases. Last evaluated: 2024-12-10. Review status: criteria provided, single submitter. Criteria: Ambry Variant Classification Scheme 2023. Collection method: clinical testing. Allele origin: germline.

Labcorp Genetics (formerly Invitae), Labcorp
Classification: Uncertain significance. Last evaluated: 2021-12-13. Review status: criteria provided, single submitter. Criteria: Invitae Variant Classification Sherloc (09022015). Collection method: clinical testing. Allele origin: germline.
Comment: This variant is not present in population databases (gnomAD no frequency). This variant has not been reported in the literature in individuals affected with ADAMTS17-related conditions. Algorithms developed to predict the effect of missense changes on protein structure and function are either unavailable or do not agree on the potential impact of this missense change (SIFT: "Not Available"; PolyPhen-2: "Benign"; Align-GVGD: "Not Available"). In summary, the available evidence is currently insufficient to determine the role of this variant in disease. Therefore, it has been classified as a Variant of Uncertain Significance. This sequence change replaces serine, which is neutral and polar, with tryptophan, which is neutral and slightly polar, at codon 826 of the ADAMTS17 protein (p.Ser826Trp).